The following is an entry in ClinVar:

ClinVar aggregate classification (germline): Uncertain significance. Review status: criteria provided, multiple submitters, no conflicts (2 of 4 stars). 2 submissions from 2 submitters: Uncertain significance (2). Last evaluated 2024-06-07.

Conditions:
Multiple congenital anomalies-hypotonia-seizures syndrome 1 (MCAHS1). Also called: PIGN-CDG; Congenital disorder of glycosylation due to PIGN deficiency; GLYCOSYLPHOSPHATIDYLINOSITOL BIOSYNTHESIS DEFECT 3. Identifiers: Orphanet 280633, MedGen C3279775, MONDO:0013563, OMIM 614080.

Allele frequency attached by ClinVar (database versions not stated): gnomAD 0.00006 and 0.00007; TOPMed 0.00007.
gnomAD v4.1: 16 of 1,521,026 alleles (0.0011%); highest among the groups gnomAD compares: African/African-American, 0.022%; no homozygotes.

Submissions (2):

GeneDx
Classification: Uncertain significance. Last evaluated: 2024-06-07. Review status: criteria provided, single submitter. Criteria: GeneDx Variant Classification Process June 2021. Collection method: clinical testing. Allele origin: germline. Affected: yes.
Comment: In silico analysis supports that this missense variant has a deleterious effect on protein structure/function; Has not been previously published as pathogenic or benign to our knowledge

Labcorp Genetics (formerly Invitae), Labcorp
Classification: Uncertain significance for Multiple congenital anomalies-hypotonia-seizures syndrome 1. Last evaluated: 2022-07-02. Review status: criteria provided, single submitter. Criteria: Invitae Variant Classification Sherloc (09022015). Collection method: clinical testing. Allele origin: germline.
Comment: This sequence change replaces asparagine, which is neutral and polar, with threonine, which is neutral and polar, at codon 313 of the PIGN protein (p.Asn313Thr). The frequency data for this variant in the population databases is considered unreliable, as metrics indicate poor data quality at this position in the gnomAD database. This variant has not been reported in the literature in individuals affected with PIGN-related conditions. ClinVar contains an entry for this variant (Variation ID: 948674). Algorithms developed to predict the effect of missense changes on protein structure and function (SIFT, PolyPhen-2, Align-GVGD) all suggest that this variant is likely to be tolerated. In summary, the available evidence is currently insufficient to determine the role of this variant in disease. Therefore, it has been classified as a Variant of Uncertain Significance.

NM_176787.5(PIGN):c.938A>C (p.Asn313Thr)

Gene: PIGN (phosphatidylinositol glycan anchor biosynthesis class N; minus strand). Cytogenetic location: 18q21.33.
Variant type: single nucleotide variant.
Coding change: c.938A>C on transcript NM_176787.5 (MANE Select); coding-DNA position 938, A replaced by C.
Protein change: p.Asn313Thr; replaces asparagine 313 with threonine.
Molecular consequence: missense variant.
Genome position (GRCh38, 1-based): chr18:62,143,331, T>G on the plus strand (A>C on the coding strand, the complement: PIGN is on the minus strand). VCF-style: chr18-62143331-T-G. GRCh37 (hg19) VCF-style: chr18-59810564-T-G.
Other names: c.938A>C, p.Asn313Thr (NM_012327.6); short protein forms N313T.
Identifiers: ClinVar variation 948674 (VCV000948674.8), dbSNP rs916813245, ClinGen allele CA301682969.